The following is an entry in ClinVar:

ClinVar aggregate classification (germline): Uncertain significance. Review status: criteria provided, multiple submitters, no conflicts (2 of 4 stars). 2 submissions from 2 submitters: Uncertain significance (2). Last evaluated 2019-07-26.

Conditions:
Biotin-responsive basal ganglia disease (BTBGD). Also called: THIAMINE METABOLISM DYSFUNCTION SYNDROME 2 (BIOTIN- AND THIAMINE-RESPONSIVE TYPE); Thiamine metabolism dysfunction syndrome 2 (biotin- or thiamine-responsive encephalopathy type 2); Thiamine Transporter-2 Deficiency; thiamine-responsive encephalopathy; Thiamine metabolism dysfunction syndrome type 2. Identifiers: Orphanet 199348, Orphanet 65284, MedGen C1843807, MONDO:0011841, OMIM 607483.

Submissions (2):

Labcorp Genetics (formerly Invitae), Labcorp
Classification: Uncertain significance for Biotin-responsive basal ganglia disease. Last evaluated: 2019-07-26. Review status: criteria provided, single submitter. Criteria: Invitae Variant Classification Sherloc (09022015). Collection method: clinical testing. Allele origin: germline.
Comment: This variant is not present in population databases (ExAC no frequency). This variant has not been reported in the literature in individuals with SLC19A3-related conditions. This sequence change replaces alanine with proline at codon 288 of the SLC19A3 protein (p.Ala288Pro). The alanine residue is moderately conserved and there is a small physicochemical difference between alanine and proline. Algorithms developed to predict the effect of missense changes on protein structure and function are either unavailable or do not agree on the potential impact of this missense change (SIFT: "Tolerated"; PolyPhen-2: "Probably Damaging"; Align-GVGD: "Class C0"). In summary, the available evidence is currently insufficient to determine the role of this variant in disease. Therefore, it has been classified as a Variant of Uncertain Significance.

GeneDx
Classification: Uncertain significance. Last evaluated: 2019-07-18. Review status: criteria provided, single submitter. Criteria: GeneDx Variant Classification Process June 2021. Collection method: clinical testing. Allele origin: germline. Affected: yes.
Comment: Not observed in large population cohorts (Lek et al., 2016); In silico analysis, which includes protein predictors and evolutionary conservation, supports a deleterious effect; Has not been previously published as pathogenic or benign to our knowledge

NM_025243.4(SLC19A3):c.862G>C (p.Ala288Pro)

Gene: SLC19A3 (solute carrier family 19 member 3; minus strand). Cytogenetic location: 2q36.3.
Variant type: single nucleotide variant.
Coding change: c.862G>C on transcript NM_025243.4 (MANE Select); coding-DNA position 862, G replaced by C.
Protein change: p.Ala288Pro; replaces alanine 288 with proline.
Molecular consequence: missense variant.
Genome position (GRCh38, 1-based): chr2:227,698,853, C>G on the plus strand (G>C on the coding strand, the complement: SLC19A3 is on the minus strand). VCF-style: chr2-227698853-C-G. GRCh37 (hg19) VCF-style: chr2-228563569-C-G.
Other names: c.862G>C, p.Ala288Pro (NM_001371411.1, NM_001371412.1); c.850G>C, p.Ala284Pro (NM_001371413.1, NM_001371414.1); short protein forms A284P, A288P.
Identifiers: ClinVar variation 944205 (VCV000944205.11), dbSNP rs542566978, ClinGen allele CA350876303.